The following is an entry in ClinVar:

NM_080680.3(COL11A2):c.16C>A (p.Arg6Ser)

Gene: COL11A2 (collagen type XI alpha 2 chain; minus strand). Cytogenetic location: 6p21.32.
Variant type: single nucleotide variant.
Coding change: c.16C>A on transcript NM_080680.3 (MANE Select); coding-DNA position 16, C replaced by A.
Protein change: p.Arg6Ser; replaces arginine 6 with serine.
Molecular consequence: missense variant. On other transcripts: intron variant (1).
Genome position (GRCh38, 1-based): chr6:33,192,225, G>T on the plus strand (C>A on the coding strand, the complement: COL11A2 is on the minus strand). VCF-style: chr6-33192225-G-T. GRCh37 (hg19) VCF-style: chr6-33160002-G-T.
Other names: c.16C>A, p.Arg6Ser (NM_001163771.2, NM_001424108.1, NM_080679.3 and 1 more transcripts); c.-765+800C>A (NM_001424111.1); short protein forms R6S.
Identifiers: ClinVar variation 2828612 (VCV002828612.3), dbSNP rs1773212111, ClinGen allele CA363615062.

ClinVar aggregate classification (germline): Uncertain significance (1 of 4 stars; one submission).

Submission:

Labcorp Genetics (formerly Invitae), Labcorp
Classification: Uncertain significance. Last evaluated: 2024-04-23. Review status: criteria provided, single submitter. Criteria: Invitae Variant Classification Sherloc (09022015). Collection method: clinical testing. Allele origin: germline.
Comment: This sequence change replaces arginine, which is basic and polar, with serine, which is neutral and polar, at codon 6 of the COL11A2 protein (p.Arg6Ser). This variant is not present in population databases (gnomAD no frequency). This variant has not been reported in the literature in individuals affected with COL11A2-related conditions. Advanced modeling of protein sequence and biophysical properties (such as structural, functional, and spatial information, amino acid conservation, physicochemical variation, residue mobility, and thermodynamic stability) performed at Invitae indicates that this missense variant is not expected to disrupt COL11A2 protein function with a negative predictive value of 95%. In summary, the available evidence is currently insufficient to determine the role of this variant in disease. Therefore, it has been classified as a Variant of Uncertain Significance.